The following is an entry in ClinVar:

ClinVar aggregate classification (germline): Uncertain significance (1 of 4 stars; one submission).

Allele frequency attached by ClinVar (database versions not stated): gnomAD exomes below 0.00001; ExAC 0.00001; gnomAD 0.00001.
gnomAD v4.1: 6 of 1,612,080 alleles (0.00037%); highest among the groups gnomAD compares: East Asian, 0.0022%; no homozygotes.

Submission:

CeGaT Center for Human Genetics Tuebingen
Classification: Uncertain significance. Last evaluated: 2024-09-01. Review status: criteria provided, single submitter. Criteria: CeGaT Center For Human Genetics Tuebingen Variant Classification Criteria Version 2. Collection method: clinical testing. Allele origin: germline. Affected: yes. Observed: 3 variant alleles.
Comment: TTN: PM2, BP4

NM_001267550.2(TTN):c.45427A>G (p.Ile15143Val)

Genes: TTN (titin; minus strand), LOC126806427 (BRD4-independent group 4 enhancer GRCh37_chr2:179485777-179486976; plus strand). Cytogenetic location: 2q31.2.
Variant type: single nucleotide variant.
Coding change: c.45427A>G on transcript NM_001267550.2 (MANE Select); coding-DNA position 45427, A replaced by G.
Protein change: p.Ile15143Val; replaces isoleucine 15143 with valine.
Molecular consequence: missense variant.
Genome position (GRCh38, 1-based): chr2:178,621,291, T>C on the plus strand (A>G on the coding strand, the complement: TTN is on the minus strand). VCF-style: chr2-178621291-T-C. GRCh37 (hg19) VCF-style: chr2-179486018-T-C.
Other names: c.40504A>G, p.Ile13502Val (NM_001256850.1); c.18232A>G, p.Ile6078Val (NM_003319.4); c.37723A>G, p.Ile12575Val (NM_133378.4); c.18607A>G, p.Ile6203Val (NM_133432.3); c.18808A>G, p.Ile6270Val (NM_133437.4); short protein forms I12575V, I13502V, I15143V, I6078V, I6203V, I6270V.
Identifiers: ClinVar variation 2582986 (VCV002582986.25), dbSNP rs778468554, ClinGen allele CA1995431.